The following is an entry in ClinVar:

ClinVar aggregate classification (germline): Conflicting classifications of pathogenicity. Review status: criteria provided, conflicting classifications (1 of 4 stars). 2 submissions from 2 submitters: Uncertain significance (1); Likely benign (1). Last evaluated 2024-12-22.

Conditions:
Hereditary cancer-predisposing syndrome. Also called: Tumor predisposition; Neoplastic Syndromes, Hereditary; Hereditary neoplastic syndrome; Hereditary Cancer Syndrome. Identifiers: Orphanet 140162, MedGen C0027672, MeSH D009386, MONDO:0015356.

gnomAD v4.1: 2 of 1,613,760 alleles (0.00012%); highest among the groups gnomAD compares: East Asian, 0.0022%; no homozygotes.

Submissions (2):

Ambry Genetics
Classification: Likely benign for Hereditary cancer-predisposing syndrome. Last evaluated: 2024-12-22. Review status: criteria provided, single submitter. Criteria: Ambry Variant Classification Scheme 2023. Collection method: clinical testing. Allele origin: germline.

GeneDx
Classification: Uncertain significance. Last evaluated: 2023-11-07. Review status: criteria provided, single submitter. Criteria: GeneDx Variant Classification Process June 2021. Collection method: clinical testing. Allele origin: germline. Affected: yes.
Comment: Not observed at significant frequency in large population cohorts (gnomAD); In silico analysis supports that this variant does not alter splicing; Has not been previously published as pathogenic or benign to our knowledge

NM_001354604.2(MITF):c.1536C>T (p.Ser512=)

Gene: MITF (melanocyte inducing transcription factor; plus strand). Cytogenetic location: 3p13.
Variant type: single nucleotide variant.
Coding change: c.1536C>T on transcript NM_001354604.2 (MANE Select); coding-DNA position 1536, C replaced by T.
Protein change: p.Ser512=; no amino-acid change (serine 512 retained).
Molecular consequence: synonymous variant.
Genome position (GRCh38, 1-based): chr3:69,965,203, C>T. VCF-style: chr3-69965203-C-T. GRCh37 (hg19) VCF-style: chr3-70014354-C-T.
Other names: c.1215C>T, p.Ser405= (NM_000248.4); c.1362C>T, p.Ser454= (NM_001184967.2, NM_001354608.2); c.1533C>T, p.Ser511= (NM_001354605.2); c.1515C>T, p.Ser505= (NM_001354606.2, NM_006722.3); c.1467C>T, p.Ser489= (NM_001354607.2); c.1197C>T, p.Ser399= (NM_198158.3); c.1518C>T, p.Ser506= (NM_198159.3); c.1470C>T, p.Ser490= (NM_198177.3); and 1 more.
Identifiers: ClinVar variation 3364042 (VCV003364042.2).